The following is an entry in ClinVar:

ClinVar aggregate classification (germline): Likely pathogenic (1 of 4 stars; one submission).

Conditions:
PCNT-related disorder. Also called: PCNT-related condition.

Submission:

PreventionGenetics, part of Exact Sciences
Classification: Likely pathogenic for PCNT-related condition. Last evaluated: 2026-03-30. Review status: criteria provided, single submitter. Criteria: ACMG Guidelines, 2015. Collection method: clinical testing. Allele origin: germline.
Comment: The PCNT c.9694delC variant is predicted to result in a frameshift and premature protein termination (p.Arg3232Alafs*58). To our knowledge, this variant has not been reported in the literature or in a large population database (gnomAD), indicating this variant is rare. Frameshift variants in PCNT are expected to be pathogenic. This variant is interpreted as likely pathogenic.

NM_006031.6(PCNT):c.9694del (p.Arg3232fs)

Gene: PCNT (pericentrin; plus strand). Cytogenetic location: 21q22.3.
Variant type: Deletion.
Coding change: c.9694del on transcript NM_006031.6 (MANE Select); coding-DNA position 9694, one base deleted (C; older notation c.9694delC).
Protein change: p.Arg3232fs; shifts the reading frame from arginine 3232.
Molecular consequence: frameshift variant.
Genome position (GRCh38, 1-based): chr21:46,442,567, C deleted. VCF-style (leftmost placement, unchanged base first): chr21-46442566-TC-T. GRCh37 (hg19) VCF-style: chr21-47862479-TC-T.
Other names: c.9103del, p.Arg3035fs (NM_001315529.2); short protein forms R3232fs, R3035fs.
Identifiers: ClinVar variation 4998771 (VCV004998771.1).